The following is an entry in ClinVar:

NM_000262.3(NAGA):c.*170G>A

Gene: NAGA (alpha-N-acetylgalactosaminidase; minus strand). Cytogenetic location: 22q13.2.
Variant type: single nucleotide variant.
Coding change: c.*170G>A on transcript NM_000262.3 (MANE Select); 170 bases downstream of the stop codon, G replaced by A.
Molecular consequence: 3 prime UTR variant.
Genome position (GRCh38, 1-based): chr22:42,060,109, C>T on the plus strand (G>A on the coding strand, the complement: NAGA is on the minus strand). VCF-style: chr22-42060109-C-T. GRCh37 (hg19) VCF-style: chr22-42456113-C-T.
Other names: c.*170G>A (NM_001362848.1, NM_001362850.1).
Identifiers: ClinVar variation 900385 (VCV000900385.5), dbSNP rs142863061, ClinGen allele CA324649413.

ClinVar aggregate classification (germline): Benign/Likely benign. Review status: criteria provided, multiple submitters, no conflicts (2 of 4 stars). 3 submissions from 2 submitters: Benign (2); Likely benign (1). Last evaluated 2021-02-23.

Conditions:
Alpha-N-acetylgalactosaminidase deficiency type 2. Also called: ALPHA-N-ACETYLGALACTOSAMINIDASE DEFICIENCY, TYPE II; NAGA DEFICIENCY, TYPE II; SCHINDLER DISEASE, TYPE II. Identifiers: Orphanet 3137, Orphanet 79280, MedGen C1836522, MONDO:0012222, OMIM 609242.
Alpha-N-acetylgalactosaminidase deficiency type 1. Also called: SCHINDLER DISEASE, TYPE I; ALPHA-N-ACETYLGALACTOSAMINIDASE DEFICIENCY, TYPE I; NAGA DEFICIENCY, TYPE I; NEUROAXONAL DYSTROPHY, SCHINDLER TYPE. Identifiers: Orphanet 3137, Orphanet 79279, Orphanet 79281, MedGen C1836544, MONDO:0012221, OMIM 609241.

Allele frequency attached by ClinVar (database versions not stated): gnomAD 0.00586 and 0.00626; 1000 Genomes Project 30x 0.00593; 1000 Genomes Project 0.00639; TOPMed 0.00668.

Submissions (3):

GeneDx
Classification: Likely benign. Last evaluated: 2021-02-23. Review status: criteria provided, single submitter. Criteria: GeneDx Variant Classification Process June 2021. Collection method: clinical testing. Allele origin: germline. Affected: yes.
Comment: See Variant Classification Assertion Criteria.

Illumina Laboratory Services, Illumina
Classification: Benign for Alpha-N-acetylgalactosaminidase deficiency type 1. Last evaluated: 2018-01-13. Review status: criteria provided, single submitter. Criteria: ICSL Variant Classification Criteria 13 December 2019. Collection method: clinical testing. Allele origin: germline.
Comment: This variant was observed in the ICSL laboratory as part of a predisposition screen in an ostensibly healthy population. It had not been previously curated by ICSL or reported in the Human Gene Mutation Database (HGMD: prior to June 1st, 2018), and was therefore a candidate for classification through an automated scoring system. Utilizing variant allele frequency, disease prevalence and penetrance estimates, and inheritance mode, an automated score was calculated to assess if this variant is too frequent to cause the disease. Based on the score and internal cut-off values, a variant classified as benign is not then subjected to further curation. The score for this variant resulted in a classification of benign for this disease.

Illumina Laboratory Services, Illumina
Classification: Benign for Alpha-N-acetylgalactosaminidase deficiency type 2. Last evaluated: 2018-01-13. Review status: criteria provided, single submitter. Criteria: ICSL Variant Classification Criteria 13 December 2019. Collection method: clinical testing. Allele origin: germline.
Comment: the same text as in the submission from Illumina Laboratory Services, Illumina above.